The following is an entry in ClinVar:

ClinVar aggregate classification (germline): Pathogenic (1 of 4 stars; one submission).

Submission:

Labcorp Genetics (formerly Invitae), Labcorp
Classification: Pathogenic. Last evaluated: 2023-08-03. Review status: criteria provided, single submitter. Criteria: Invitae Variant Classification Sherloc (09022015). Collection method: clinical testing. Allele origin: germline.
Comment: This variant has not been reported in the literature in individuals affected with LRP2-related conditions. This sequence change creates a premature translational stop signal (p.Gln3650*) in the LRP2 gene. It is expected to result in an absent or disrupted protein product. Loss-of-function variants in LRP2 are known to be pathogenic (PMID: 17632512, 25682901). This variant is not present in population databases (gnomAD no frequency). For these reasons, this variant has been classified as Pathogenic.

Literature cited by the submitters: PubMed 17632512; PubMed 25682901.

NM_004525.3(LRP2):c.10948C>T (p.Gln3650Ter)

Gene: LRP2 (LDL receptor related protein 2; minus strand). Cytogenetic location: 2q31.1.
Variant type: single nucleotide variant.
Coding change: c.10948C>T on transcript NM_004525.3 (MANE Select); coding-DNA position 10948, C replaced by T.
Protein change: p.Gln3650Ter; replaces glutamine 3650 with a stop codon.
Molecular consequence: nonsense.
Genome position (GRCh38, 1-based): chr2:169,173,985, G>A on the plus strand (C>T on the coding strand, the complement: LRP2 is on the minus strand). VCF-style: chr2-169173985-G-A. GRCh37 (hg19) VCF-style: chr2-170030495-G-A.
Other names: short protein forms Q3650*.
Identifiers: ClinVar variation 2749716 (VCV002749716.3), dbSNP rs766032786, ClinGen allele CA349144554.